The following is an entry in ClinVar:

NM_138711.6(PPARG):c.300T>C (p.Pro100=)

Gene: PPARG (peroxisome proliferator activated receptor gamma; plus strand). Cytogenetic location: 3p25.2.
Variant type: single nucleotide variant.
Coding change: c.300T>C on transcript NM_138711.6 (MANE Select); coding-DNA position 300, T replaced by C.
Protein change: p.Pro100=; no amino-acid change (proline 100 retained).
Molecular consequence: synonymous variant. On other transcripts: 5 prime UTR variant (1).
Genome position (GRCh38, 1-based): chr3:12,381,401, T>C. VCF-style: chr3-12381401-T-C. GRCh37 (hg19) VCF-style: chr3-12422900-T-C.
Other names: c.300T>C, p.Pro100= (NM_001330615.4, NM_001354666.3, NM_001354667.3 and 6 more transcripts); c.390T>C, p.Pro130= (NM_001354668.2, NM_001374265.1, NM_015869.5); c.-128T>C (NM_001354669.2); c.306T>C, p.Pro102= (NM_001354670.2, NM_001374266.1).
Identifiers: ClinVar variation 3353707 (VCV003353707.1).

ClinVar aggregate classification (germline): Likely benign (0 of 4 stars; one submission).

Conditions:
PPARG-related disorder. Also called: PPARG-related disorders; PPARG-related condition.

Submission:

PreventionGenetics, part of Exact Sciences
Classification: Likely benign for PPARG-related condition. Last evaluated: 2022-05-25. Review status: no assertion criteria provided. Collection method: clinical testing. Allele origin: germline.
Comment: This variant is classified as likely benign based on ACMG/AMP sequence variant interpretation guidelines (Richards et al. 2015 PMID: 25741868, with internal and published modifications).